The following is an entry in ClinVar:

ClinVar aggregate classification (germline): Benign/Likely benign. Review status: criteria provided, multiple submitters, no conflicts (2 of 4 stars). 2 submissions from 2 submitters: Benign (1); Likely benign (1). Last evaluated 2025-12-17.

Allele frequency attached by ClinVar (database versions not stated): TOPMed 0.00013; 1000 Genomes Project 30x 0.00021; 1000 Genomes Project 0.00026.

Submissions (2):

Labcorp Genetics (formerly Invitae), Labcorp
Classification: Benign. Last evaluated: 2025-12-17. Review status: criteria provided, single submitter. Criteria: Invitae Variant Classification Sherloc (09022015). Collection method: clinical testing. Allele origin: germline.

Laboratory for Molecular Medicine, Mass General Brigham Personalized Medicine
Classification: Likely benign. Last evaluated: 2015-06-16. Review status: criteria provided, single submitter. Criteria: LMM Criteria. Collection method: clinical testing. Allele origin: germline. Observed: 1 variant allele.
Comment: p.Pro266Pro in exon 1 of POU3F4: This variant is not expected to have clinical s ignificance because it does not alter an amino acid residue and is not located w ithin the splice consensus sequence. This variant has been identified in 2/8295 African chromosomes by the Exome Aggregation Consortium (ExAC; dbSNP rs186990152).

NM_000307.5(POU3F4):c.798G>A (p.Pro266=)

Gene: POU3F4 (POU class 3 homeobox 4; plus strand). Cytogenetic location: Xq21.1.
Variant type: single nucleotide variant.
Coding change: c.798G>A on transcript NM_000307.5 (MANE Select); coding-DNA position 798, G replaced by A.
Protein change: p.Pro266=; no amino-acid change (proline 266 retained).
Molecular consequence: synonymous variant.
Genome position (GRCh38, 1-based): chrX:83,509,122, G>A. VCF-style: chrX-83509122-G-A. GRCh37 (hg19) VCF-style: chrX-82764130-G-A.
Identifiers: ClinVar variation 227855 (VCV000227855.6), dbSNP rs186990152, ClinGen allele CA10462805.
Genomic context (GRCh38, chrX:83,509,122, plus strand): 5'-CAAGCTGAAGCCCCTGCTGAACAAGTGGCTGGAGGAGGCGGATTCGTCCACAGGGAGCCC[G>A]ACCAGCATTGACAAGATCGCTGCACAGGGCCGCAAGCGCAAGAAGCGGACCTCCATCGAG-3'
Protein context (NP_000298.3, residues 256-276): LEEADSSTGS[Pro266=]TSIDKIAAQG